The following is an entry in ClinVar:

NM_001943.5(DSG2):c.2368C>T (p.His790Tyr)

Genes: DSG2 (desmoglein 2; plus strand), DSG2-AS1 (DSG2 antisense RNA 1; minus strand). Cytogenetic location: 18q12.1.
Variant type: single nucleotide variant.
Coding change: c.2368C>T on transcript NM_001943.5 (MANE Select); coding-DNA position 2368, C replaced by T.
Protein change: p.His790Tyr; replaces histidine 790 with tyrosine.
Molecular consequence: missense variant. On other transcripts: non-coding transcript variant (1).
Genome position (GRCh38, 1-based): chr18:31,545,754, C>T. VCF-style: chr18-31545754-C-T. GRCh37 (hg19) VCF-style: chr18-29125717-C-T.
Other names: short protein forms H790Y.
Identifiers: ClinVar variation 177961 (VCV000177961.55), dbSNP rs114544564, ClinGen allele CA021768.
Genomic context (GRCh38, chr18:31,545,754, plus strand): 5'-GTTTGTTTTGTTTTGTTTTCATTTTAGAAAGCGGCCTCTTACACTGAGGAAGATGAAAAT[C>T]ACACAGCCAAAGATTGCCTTCTGGTTTATTCTCAGGAAGAAACTGAATCGCTGAATGCTT-3'
Protein context (NP_001934.2, residues 780-800): AASYTEEDEN[His790Tyr]TAKDCLLVYS

ClinVar aggregate classification (germline): Conflicting classifications of pathogenicity. Review status: criteria provided, conflicting classifications (1 of 4 stars). 17 submissions from 17 submitters: Uncertain significance (1); Benign (1); Likely benign (14). 1 of the submissions does not count toward it. Last evaluated 2026-01-26.

Conditions:
DSG2-related disorder. Also called: DSG2-related condition.
Cardiovascular phenotype. Identifiers: MedGen CN230736.
Arrhythmogenic right ventricular dysplasia 10. Also called: Arrhythmogenic Right Ventricular Dysplasia/Cardiomyopathy10; ARRHYTHMOGENIC RIGHT VENTRICULAR DYSPLASIA, FAMILIAL, 10; Arrhythmogenic right ventricular dysplasia/cardiomyopathy, type 10. Identifiers: MedGen C1857777, MONDO:0012434, OMIM 610193.
Dilated cardiomyopathy 1BB (CMD1BB). Also called: CARDIOMYOPATHY, DILATED, 1BB, SUSCEPTIBILITY TO. Identifiers: Orphanet 154, MedGen C2752072, MONDO:0013030, OMIM 612877.
Arrhythmogenic right ventricular cardiomyopathy (ARVD). Also called: Arrhythmogenic cardiomyopathy; Arrhythmogenic Right Ventricular Cardiomyopathy (ARVC); Cardiomyopathy, ARVC; Arrhythmogenic right ventricular dysplasia. Identifiers: Orphanet 247, MedGen C0349788, MeSH D019571, MONDO:0016587. Disease mechanism: loss of function. Inheritance: Various modes of inheritance.
Cardiomyopathy (CMYO). Also called: Cardiomyopathies. Identifiers: Orphanet 167848, MedGen C0878544, MONDO:0004994, HP:0001638. Inheritance: Various modes of inheritance.

Allele frequency attached by ClinVar (database versions not stated): gnomAD exomes 0.00015 and 0.00028; ExAC 0.00039; TOPMed 0.00117; 1000 Genomes Project 0.00120; gnomAD 0.00122 and 0.00130; ESP Exome Variant Server 0.00126; 1000 Genomes Project 30x 0.00141.
gnomAD v4.1: 422 of 1,614,060 alleles (0.026%); highest among the groups gnomAD compares: African/African-American, 0.43%; no homozygotes.

Submissions (17):

Labcorp Genetics (formerly Invitae), Labcorp
Classification: Likely benign for Arrhythmogenic right ventricular dysplasia 10. Last evaluated: 2026-01-26. Review status: criteria provided, single submitter. Criteria: Invitae Variant Classification Sherloc (09022015). Collection method: clinical testing. Allele origin: germline.

Mayo Clinic Laboratories, Mayo Clinic
Classification: Likely benign. Last evaluated: 2025-10-31. Review status: criteria provided, single submitter. Criteria: ACMG Guidelines, 2015. Collection method: clinical testing. Allele origin: germline. Observed: 2 variant alleles.
Comment: BS1, BP4

All of Us Research Program, National Institutes of Health
Classification: Likely benign for Arrhythmogenic right ventricular cardiomyopathy. Last evaluated: 2024-09-23. Review status: criteria provided, single submitter. Criteria: ACMG Guidelines, 2015. Collection method: clinical testing. Allele origin: germline. Inheritance: Autosomal dominant inheritance. Observed: 95 variant alleles, 95 heterozygotes.
Comment: This study involves interpretation of variants in research participants for the purpose of population health screening. Participant phenotype was not available at the time of variant classification. Additional details can be found in publication PMID: 35346344, PMCID: PMC8962531

Blueprint Genetics
Classification: Likely benign. Last evaluated: 2024-09-03. Review status: criteria provided, single submitter. Criteria: ACMG Guidelines, 2015. Collection method: clinical testing. Allele origin: germline.

CeGaT Center for Human Genetics Tuebingen
Classification: Likely benign. Last evaluated: 2024-08-01. Review status: criteria provided, single submitter. Criteria: CeGaT Center For Human Genetics Tuebingen Variant Classification Criteria Version 2. Collection method: clinical testing. Allele origin: germline. Affected: yes. Observed: 1 variant allele.
Comment: DSG2: BP4

CHEO Genetics Diagnostic Laboratory, Children's Hospital of Eastern Ontario
Classification: Benign for Cardiomyopathy. Last evaluated: 2023-01-05. Review status: criteria provided, single submitter. Criteria: ACMG Guidelines, 2015. Collection method: clinical testing. Allele origin: germline.

Fulgent Genetics
Classification: Likely benign for Arrhythmogenic right ventricular dysplasia 10; Dilated cardiomyopathy 1BB. Last evaluated: 2021-08-15. Review status: criteria provided, single submitter. Criteria: ACMG Guidelines, 2015. Collection method: clinical testing. Allele origin: unknown.

GeneDx
Classification: Likely benign. Last evaluated: 2021-01-12. Review status: criteria provided, single submitter. Criteria: GeneDx Variant Classification Process June 2021. Collection method: clinical testing. Allele origin: germline. Affected: yes.
Comment: This variant is associated with the following publications: (PMID: 20031617)

Women's Health and Genetics/Laboratory Corporation of America, LabCorp
Classification: Likely benign. Last evaluated: 2020-09-08. Review status: criteria provided, single submitter. Criteria: LabCorp Variant Classification Summary - May 2015. Collection method: clinical testing. Allele origin: germline.
Comment: Variant summary: DSG2 c.2368C>T (p.His790Tyr) results in a conservative amino acid change in the encoded protein sequence. Four of five in-silico tools predict a benign effect of the variant on protein function. The variant allele was found at a frequency of 0.00036 in 283014 control chromosomes, predominantly at a frequency of 0.0038 within the African or African-American subpopulation in the gnomAD database. The observed variant frequency within African or African-American control individuals in the gnomAD database is approximately 380 fold of the estimated maximal expected allele frequency for a pathogenic variant in DSG2 causing Arrhythmia phenotype (1e-05), strongly suggesting that the variant is a benign polymorphism found primarily in populations of African or African-American origin. To our knowledge, no occurrence of c.2368C>T in individuals affected with Arrhythmia and no experimental evidence demonstrating its impact on protein function have been reported. Six ClinVar submitters (evaluation after 2014) cite the variant as likely benign. Based on the evidence outlined above, the variant was classified as likely benign.

Color Diagnostics, LLC DBA Color Health
Classification: Likely benign for Cardiomyopathy. Last evaluated: 2018-10-29. Review status: criteria provided, single submitter. Criteria: ACMG Guidelines, 2015. Collection method: clinical testing. Allele origin: germline.

Ambry Genetics
Classification: Likely benign for Cardiovascular phenotype. Last evaluated: 2018-09-28. Review status: criteria provided, single submitter. Criteria: Ambry Variant Classification Scheme 2023. Collection method: clinical testing. Allele origin: germline.

Illumina Laboratory Services, Illumina
Classification: Likely benign for Arrhythmogenic right ventricular dysplasia 10. Last evaluated: 2018-01-12. Review status: criteria provided, single submitter. Criteria: ICSL Variant Classification Criteria 13 December 2019. Collection method: clinical testing. Allele origin: germline.
Comment: This variant was observed in the ICSL laboratory as part of a predisposition screen in an ostensibly healthy population. It had not been previously curated by ICSL or reported in the Human Gene Mutation Database (HGMD: prior to June 1st, 2018), and was therefore a candidate for classification through an automated scoring system. Utilizing variant allele frequency, disease prevalence and penetrance estimates, and inheritance mode, an automated score was calculated to assess if this variant is too frequent to cause the disease. Based on the score and internal cut-off values, a variant classified as likely benign is not then subjected to further curation. The score for this variant resulted in a classification of likely benign for this disease.

Molecular Diagnostic Laboratory for Inherited Cardiovascular Disease, Montreal Heart Institute
Classification: Likely benign. Last evaluated: 2016-12-22. Review status: criteria provided, single submitter. Criteria: ACMG Guidelines, 2015. Collection method: clinical testing. Allele origin: germline. Affected: yes.

Laboratory for Molecular Medicine, Mass General Brigham Personalized Medicine
Classification: Likely benign. Last evaluated: 2014-05-28. Review status: criteria provided, single submitter. Criteria: LMM Criteria. Collection method: clinical testing. Allele origin: germline. Observed: 1 variant allele.
Comment: His790Tyr in exon 15 of DSG2: This variant is not expected to have clinical sign ificance because it has been identified in 0.4% (15/3672) of African American ch romosomes by the NHLBI Exome Sequencing Project (VS/; dbSNP rs114544564).

Breakthrough Genomics
Classification: Likely benign. Review status: criteria provided, single submitter. Criteria: ACMG Guidelines, 2015. Collection method: not provided. Allele origin: germline. Inheritance: Autosomal recessive inheritance. Affected: yes.

Center for Genomics, Ann and Robert H. Lurie Children's Hospital of Chicago
Classification: Uncertain significance for Dilated cardiomyopathy 1BB; Arrhythmogenic right ventricular dysplasia 10. Review status: criteria provided, single submitter. Criteria: ACMG Guidelines, 2015. Collection method: clinical testing. Allele origin: germline.
Comment: DSG2 NM_001943.4 exon 15 p.His790Tyr (c.2368C>T): This variant has not been reported in the literature and is present in 0.3% (93/24196) of African alleles in the Genome Aggregation Database. This variant is also present in ClinVar, with several labs classifying this variant as likely benign (Variation ID:177961). Evolutionary conservation and computational predictive tools suggest that this variant may not impact the protein. In summary, data on this variant suggests that this variant does not cause disease, but requires further evidence. Therefore this variant is classified as likely benign.

PreventionGenetics, part of Exact Sciences
Classification: Likely benign for DSG2-related condition. Last evaluated: 2020-01-30. Review status: no assertion criteria provided. Collection method: clinical testing. Allele origin: germline. Not counted in ClinVar's aggregate classification.
Comment: This variant is classified as likely benign based on ACMG/AMP sequence variant interpretation guidelines (Richards et al. 2015 PMID: 25741868, with internal and published modifications).

Literature cited by the submitters: PubMed 20031617 (cited by Women's Health and Genetics/Laboratory Corporation of America, LabCorp).